The following is an entry in ClinVar:

ClinVar aggregate classification (germline): Conflicting classifications of pathogenicity. Review status: criteria provided, conflicting classifications (1 of 4 stars). 5 submissions from 5 submitters: Pathogenic (1); Likely pathogenic (1); Uncertain significance (3). Last evaluated 2025-11-08.

Conditions:
Retinal dystrophy. Also called: Inherited retinal dystrophy. Identifiers: Orphanet 71862, MedGen C0854723, MeSH D058499, MONDO:0019118, HP:0000556.
Severe early-childhood-onset retinal dystrophy (STGD1). Also called: Stargardt macular dystrophy; Juvenile onset macular degeneration; Stargardt disease 1; STGD; MACULAR DYSTROPHY WITH FLECKS, TYPE 1. Identifiers: Orphanet 364055, Orphanet 827, MedGen C1855465, MeSH D000080362, MONDO:0009549, OMIM 248200.
Retinitis pigmentosa 19 (RP19). Also called: ABCA4-Related Retinitis Pigmentosa. Identifiers: Orphanet 791, MedGen C1866422, MONDO:0011137, OMIM 601718.
Age related macular degeneration 2. Also called: MACULAR DEGENERATION, SENILE; MACULOPATHY, AGE-RELATED, 2; MACULOPATHY, AGE-RELATED. Identifiers: MedGen C3495438, MONDO:0007932, OMIM 153800.
Cone-rod dystrophy 3 (CORD3). Identifiers: Orphanet 1872, MedGen C1858806, MONDO:0011395, OMIM 604116.

Allele frequency attached by ClinVar (database versions not stated): TOPMed 0.00001; ExAC 0.00002; gnomAD exomes 0.00002 and 0.00006; gnomAD 0.00001.
gnomAD v4.1: 92 of 1,614,002 alleles (0.0057%); highest among the groups gnomAD compares: Non-Finnish European, 0.0068%; no homozygotes.

Submissions (5):

Labcorp Genetics (formerly Invitae), Labcorp
Classification: Pathogenic. Last evaluated: 2025-11-08. Review status: criteria provided, single submitter. Criteria: Invitae Variant Classification Sherloc (09022015). Collection method: clinical testing. Allele origin: germline.
Comment: This sequence change replaces arginine, which is basic and polar, with glutamine, which is neutral and polar, at codon 681 of the ABCA4 protein (p.Arg681Gln). This variant is present in population databases (rs761380652, gnomAD 0.007%). This missense change has been observed in individual(s) with retinal dystrophy and/or Stargardt disease (PMID: 20647261, 28559085, 38003421, 38219857; internal data). ClinVar contains an entry for this variant (Variation ID: 1040174). Invitae Evidence Modeling of protein sequence and biophysical properties (such as structural, functional, and spatial information, amino acid conservation, physicochemical variation, residue mobility, and thermodynamic stability) indicates that this missense variant is expected to disrupt ABCA4 protein function with a positive predictive value of 95%. For these reasons, this variant has been classified as Pathogenic.

Women's Health and Genetics/Laboratory Corporation of America, LabCorp
Classification: Uncertain significance. Last evaluated: 2025-05-30. Review status: criteria provided, single submitter. Criteria: LabCorp Variant Classification Summary - May 2015. Collection method: clinical testing. Allele origin: germline.
Comment: Variant summary: ABCA4 c.2042G>A (p.Arg681Gln) results in a conservative amino acid change located in the ABC-2 type transporter, transmembrane domain (IPR013525) of the encoded protein sequence. Algorithms developed to predict the effect of missense changes on protein structure and function are either unavailable or do not agree on the potential impact of this missense change. The variant allele was found at a frequency of 2e-05 in 251162 control chromosomes. c.2042G>A has been observed in individual(s) affected with Retinitis Pigmentosa, at times on the same allele as other pathogenic variants (Stone_2017, Lynn_2022, Fenner_2024, Kadyshev_2023, Lin_2024, internal data). These data indicate that the variant may be associated with disease. To our knowledge, no experimental evidence demonstrating an impact on protein function has been reported. The following publications have been ascertained in the context of this evaluation (PMID: 28044389, 38309476, 38003421, 38219857, 36672815, 20647261, 28559085). ClinVar contains an entry for this variant (Variation ID: 1040174). Based on the evidence outlined above, the variant was classified as VUS-possibly pathogenic.

Institute of Human Genetics, Univ. Regensburg, Univ. Regensburg
Classification: Uncertain significance for Retinal dystrophy. Last evaluated: 2021-01-01. Review status: criteria provided, single submitter. Criteria: ACMG Guidelines, 2015. Collection method: clinical testing. Allele origin: germline. Affected: yes.

Blueprint Genetics
Classification: Uncertain significance. Last evaluated: 2019-10-01. Review status: criteria provided, single submitter. Criteria: ACMG Guidelines, 2015. Collection method: clinical testing. Allele origin: germline.

Juno Genomics, Hangzhou Juno Genomics, Inc
Classification: Likely pathogenic for Retinitis pigmentosa 19; Severe early-childhood-onset retinal dystrophy; Age related macular degeneration 2; Cone-rod dystrophy 3. Review status: criteria provided, single submitter. Criteria: ACMG Guidelines, 2015. Collection method: clinical testing. Allele origin: germline.
Comment: Absent from controls (or at extremely low frequency if recessive) in Genome Aggregation Database.;Multiple lines of computational evidence support a deleterious effect on the gene or gene product.;For recessive disorders, detected in trans with a pathogenic variant.;Co-segregation with disease in multiple affected family members.

Literature cited by the submitters: PubMed 20647261 (cited by 3 submitters); PubMed 28559085 (cited by Labcorp Genetics (formerly Invitae), Labcorp and Women's Health and Genetics/Laboratory Corporation of America, LabCorp); PubMed 38003421 (cited by Labcorp Genetics (formerly Invitae), Labcorp and Women's Health and Genetics/Laboratory Corporation of America, LabCorp); PubMed 38219857 (cited by Labcorp Genetics (formerly Invitae), Labcorp and Women's Health and Genetics/Laboratory Corporation of America, LabCorp); PubMed 28044389 (cited by Women's Health and Genetics/Laboratory Corporation of America, LabCorp); PubMed 36672815 (cited by Women's Health and Genetics/Laboratory Corporation of America, LabCorp); PubMed 38309476 (cited by Women's Health and Genetics/Laboratory Corporation of America, LabCorp); PubMed 3667281 (cited by Institute of Human Genetics, Univ. Regensburg, Univ. Regensburg).

NM_000350.3(ABCA4):c.2042G>A (p.Arg681Gln)

Gene: ABCA4 (ATP binding cassette subfamily A member 4; minus strand). Cytogenetic location: 1p22.1.
Variant type: single nucleotide variant.
Coding change: c.2042G>A on transcript NM_000350.3 (MANE Select); coding-DNA position 2042, G replaced by A.
Protein change: p.Arg681Gln; replaces arginine 681 with glutamine.
Molecular consequence: missense variant.
Genome position (GRCh38, 1-based): chr1:94,060,655, C>T on the plus strand (G>A on the coding strand, the complement: ABCA4 is on the minus strand). VCF-style: chr1-94060655-C-T. GRCh37 (hg19) VCF-style: chr1-94526211-C-T.
Other names: c.2042G>A, p.Arg681Gln (NM_001425324.1); short protein forms R681Q.
Identifiers: ClinVar variation 1040174 (VCV001040174.12), dbSNP rs761380652, ClinGen allele CA958361.